The following is an entry in ClinVar:

ClinVar aggregate classification (germline): Uncertain significance (1 of 4 stars; one submission).

Submission:

GeneDx
Classification: Uncertain significance. Last evaluated: 2023-02-07. Review status: criteria provided, single submitter. Criteria: GeneDx Variant Classification Process June 2021. Collection method: clinical testing. Allele origin: germline. Affected: yes.
Comment: Not observed at significant frequency in large population cohorts (gnomAD); In silico analysis supports that this missense variant has a deleterious effect on protein structure/function; Has not been previously published as pathogenic or benign to our knowledge

NM_018026.4(PACS1):c.1731G>C (p.Gln577His)

Gene: PACS1 (phosphofurin acidic cluster sorting protein 1; plus strand). Cytogenetic location: 11q13.2.
Variant type: single nucleotide variant.
Coding change: c.1731G>C on transcript NM_018026.4 (MANE Select); coding-DNA position 1731, G replaced by C.
Protein change: p.Gln577His; replaces glutamine 577 with histidine.
Molecular consequence: missense variant.
Genome position (GRCh38, 1-based): chr11:66,232,276, G>C. VCF-style: chr11-66232276-G-C. GRCh37 (hg19) VCF-style: chr11-65999747-G-C.
Other names: short protein forms Q577H.
Identifiers: ClinVar variation 2574776 (VCV002574776.1), dbSNP rs2495584911, ClinGen allele CA381369814.